The following is an entry in ClinVar:

NM_001903.5(CTNNA1):c.2543G>A (p.Gly848Asp)

Gene: CTNNA1 (catenin alpha 1; plus strand). Cytogenetic location: 5q31.2.
Variant type: single nucleotide variant.
Coding change: c.2543G>A on transcript NM_001903.5 (MANE Select); coding-DNA position 2543, G replaced by A.
Protein change: p.Gly848Asp; replaces glycine 848 with aspartic acid.
Molecular consequence: missense variant. On other transcripts: 3 prime UTR variant (5).
Genome position (GRCh38, 1-based): chr5:138,933,911, G>A. VCF-style: chr5-138933911-G-A. GRCh37 (hg19) VCF-style: chr5-138269600-G-A.
Other names: c.*88G>A (NM_001290307.3, NM_001324002.1, NM_001324003.1 and 2 more transcripts); c.2234G>A, p.Gly745Asp (NM_001290309.3); c.2174G>A, p.Gly725Asp (NM_001290310.3); c.1433G>A, p.Gly478Asp (NM_001290312.1, NM_001323987.1, NM_001323988.1 and 12 more transcripts); c.2543G>A, p.Gly848Asp (NM_001323982.2, NM_001323983.1, NM_001323984.2); c.2516G>A, p.Gly839Asp (NM_001323985.2); c.2450G>A, p.Gly817Asp (NM_001323986.2); c.1298G>A, p.Gly433Asp (NM_001324001.1); and 4 more; short protein forms G365D, G397D, G433D, G447D, G478D, G725D, G745D, G817D.
Identifiers: ClinVar variation 1014301 (VCV001014301.9), dbSNP rs575417154, ClinGen allele CA361135420.

ClinVar aggregate classification (germline): Uncertain significance. Review status: criteria provided, multiple submitters, no conflicts (2 of 4 stars). 2 submissions from 2 submitters: Uncertain significance (2). Last evaluated 2025-12-10.

Conditions:
Hereditary cancer-predisposing syndrome. Also called: Hereditary Cancer Syndrome; Tumor predisposition; Neoplastic Syndromes, Hereditary; Hereditary neoplastic syndrome. Identifiers: Orphanet 140162, MedGen C0027672, MeSH D009386, MONDO:0015356.

Submissions (2):

Ambry Genetics
Classification: Uncertain significance for Hereditary cancer-predisposing syndrome. Last evaluated: 2025-12-10. Review status: criteria provided, single submitter. Criteria: Ambry Variant Classification Scheme 2023. Collection method: clinical testing. Allele origin: germline.
Comment: The p.G848D variant (also known as c.2543G>A), located in coding exon 17 of the CTNNA1 gene, results from a G to A substitution at nucleotide position 2543. The glycine at codon 848 is replaced by aspartic acid, an amino acid with similar properties. This amino acid position is conserved. In addition, the in silico prediction for this alteration is inconclusive. Based on the available evidence, the clinical significance of this variant remains unclear.

Labcorp Genetics (formerly Invitae), Labcorp
Classification: Uncertain significance. Last evaluated: 2020-09-24. Review status: criteria provided, single submitter. Criteria: Invitae Variant Classification Sherloc (09022015). Collection method: clinical testing. Allele origin: germline.
Comment: This variant has not been reported in the literature in individuals with CTNNA1-related conditions. In summary, the available evidence is currently insufficient to determine the role of this variant in disease. Therefore, it has been classified as a Variant of Uncertain Significance. Algorithms developed to predict the effect of missense changes on protein structure and function are either unavailable or do not agree on the potential impact of this missense change (SIFT: "Deleterious"; PolyPhen-2: "Benign"; Align-GVGD: "Class C0"). This variant is not present in population databases (ExAC no frequency). This sequence change replaces glycine with aspartic acid at codon 848 of the CTNNA1 protein (p.Gly848Asp). The glycine residue is highly conserved and there is a moderate physicochemical difference between glycine and aspartic acid.